The following is an entry in ClinVar:

NM_198578.4(LRRK2):c.3071C>T (p.Thr1024Met)

Gene: LRRK2 (leucine rich repeat kinase 2; plus strand). Cytogenetic location: 12q12.
Variant type: single nucleotide variant.
Coding change: c.3071C>T on transcript NM_198578.4 (MANE Select); coding-DNA position 3071, C replaced by T.
Protein change: p.Thr1024Met; replaces threonine 1024 with methionine.
Molecular consequence: missense variant.
Genome position (GRCh38, 1-based): chr12:40,295,619, C>T. VCF-style: chr12-40295619-C-T. GRCh37 (hg19) VCF-style: chr12-40689421-C-T.
Other names: c.3071C>T (NM_198578.3); short protein forms T1024M.
Identifiers: ClinVar variation 1357646 (VCV001357646.9), dbSNP rs568157731, ClinGen allele CA6513820.

ClinVar aggregate classification (germline): Uncertain significance. Review status: criteria provided, multiple submitters, no conflicts (2 of 4 stars). 2 submissions from 2 submitters: Uncertain significance (2). Last evaluated 2022-06-16.

Conditions:
Autosomal dominant Parkinson disease 8. Also called: Parkinson disease 8, susceptibility to; LRRK2-Related Parkinson Disease; Parkinson disease 8. Identifiers: Orphanet 411602, MedGen C1846862, MONDO:0011764, OMIM 607060.
Inborn genetic diseases. Identifiers: MedGen C0950123, MeSH D030342.

Allele frequency attached by ClinVar (database versions not stated): ExAC 0.00003; 1000 Genomes Project 30x 0.00016; 1000 Genomes Project 0.00020.
gnomAD v4.1: 32 of 1,613,902 alleles (0.002%); highest among the groups gnomAD compares: South Asian, 0.0066%; no homozygotes.

Submissions (2):

Ambry Genetics
Classification: Uncertain significance for Inborn genetic diseases. Last evaluated: 2022-06-16. Review status: criteria provided, single submitter. Criteria: Ambry Variant Classification Scheme 2023. Collection method: clinical testing. Allele origin: germline.

Labcorp Genetics (formerly Invitae), Labcorp
Classification: Uncertain significance for Autosomal dominant Parkinson disease 8. Last evaluated: 2021-07-15. Review status: criteria provided, single submitter. Criteria: Invitae Variant Classification Sherloc (09022015). Collection method: clinical testing. Allele origin: germline.
Comment: This sequence change replaces threonine with methionine at codon 1024 of the LRRK2 protein (p.Thr1024Met). The threonine residue is moderately conserved and there is a moderate physicochemical difference between threonine and methionine. This variant is present in population databases (rs568157731, ExAC 0.02%). This variant has not been reported in the literature in individuals affected with LRRK2-related conditions. Algorithms developed to predict the effect of missense changes on protein structure and function are either unavailable or do not agree on the potential impact of this missense change (SIFT: "Deleterious"; PolyPhen-2: "Possibly Damaging"; Align-GVGD: "Class C0"). In summary, the available evidence is currently insufficient to determine the role of this variant in disease. Therefore, it has been classified as a Variant of Uncertain Significance.